The following is an entry in ClinVar:

ClinVar aggregate classification (germline): Uncertain significance (1 of 4 stars; one submission).

Conditions:
Developmental and epileptic encephalopathy, 53. Also called: Epileptic encephalopathy, early infantile, 53. Identifiers: MedGen C4479313, MONDO:0033362, OMIM 617389.
Early-onset Parkinson disease 20. Also called: PARKINSON DISEASE 20, AUTOSOMAL RECESSIVE EARLY-ONSET. Identifiers: Orphanet 391411, MedGen C3809824, MONDO:0014233, OMIM 615530.

Allele frequency attached by ClinVar (database versions not stated): gnomAD exomes below 0.00001 and 0.00001; ExAC 0.00002; gnomAD 0.00002; TOPMed 0.00003.
gnomAD v4.1: 8 of 1,613,824 alleles (0.0005%); highest among the groups gnomAD compares: Non-Finnish European, 0.00068%; no homozygotes.

Submission:

Labcorp Genetics (formerly Invitae), Labcorp
Classification: Uncertain significance for Developmental and epileptic encephalopathy, 53; Early-onset Parkinson disease 20. Last evaluated: 2022-10-14. Review status: criteria provided, single submitter. Criteria: Invitae Variant Classification Sherloc (09022015). Collection method: clinical testing. Allele origin: germline.
Comment: In summary, the available evidence is currently insufficient to determine the role of this variant in disease. Therefore, it has been classified as a Variant of Uncertain Significance. Advanced modeling of protein sequence and biophysical properties (such as structural, functional, and spatial information, amino acid conservation, physicochemical variation, residue mobility, and thermodynamic stability) performed at Invitae indicates that this missense variant is not expected to disrupt SYNJ1 protein function. ClinVar contains an entry for this variant (Variation ID: 662045). This variant has not been reported in the literature in individuals affected with SYNJ1-related conditions. The frequency data for this variant in the population databases is considered unreliable, as metrics indicate poor data quality at this position in the gnomAD database. This sequence change replaces threonine, which is neutral and polar, with lysine, which is basic and polar, at codon 1033 of the SYNJ1 protein (p.Thr1033Lys).

NM_203446.3(SYNJ1):c.2981C>A (p.Thr994Lys)

Gene: SYNJ1 (synaptojanin 1; minus strand). Cytogenetic location: 21q22.11.
Variant type: single nucleotide variant.
Coding change: c.2981C>A on transcript NM_203446.3 (MANE Select); coding-DNA position 2981, C replaced by A.
Protein change: p.Thr994Lys; replaces threonine 994 with lysine.
Molecular consequence: missense variant.
Genome position (GRCh38, 1-based): chr21:32,650,240, G>T on the plus strand (C>A on the coding strand, the complement: SYNJ1 is on the minus strand). VCF-style: chr21-32650240-G-T. GRCh37 (hg19) VCF-style: chr21-34022550-G-T.
Other names: c.2981C>A, p.Thr994Lys (NM_001160302.2); c.2966C>A, p.Thr989Lys (NM_001160306.2); c.3098C>A, p.Thr1033Lys (NM_003895.4); short protein forms T1033K, T989K, T994K.
Identifiers: ClinVar variation 662045 (VCV000662045.9), dbSNP rs776726487, ClinGen allele CA10003535.